The following is an entry in ClinVar:

ClinVar aggregate classification (germline): Likely pathogenic (1 of 4 stars; one submission).

Conditions:
Fabry disease. Also called: ALPHA-GALACTOSIDASE A DEFICIENCY; ANDERSON-FABRY DISEASE; CERAMIDE TRIHEXOSIDASE DEFICIENCY; GLA DEFICIENCY; HEREDITARY DYSTOPIC LIPIDOSIS; Angiokeratoma corporis diffusum. Identifiers: Orphanet 324, MedGen C0002986, MONDO:0010526, OMIM 301500, HP:0001071. Disease mechanism: Fabry disease is due to inactivating mutations in the X-linked GLA gene resulting in deficiency of the enzyme Alpha Galactosidase-A., loss of function.

Submission:

Genomenon, Inc
Classification: Likely pathogenic for Fabry disease. Last evaluated: 2026-09-08. Review status: criteria provided, single submitter. Criteria: Genomenon Sequence Variant Interpretation Standards - Updated. Collection method: curation. Allele origin: germline. Affected: yes.
Comment: GLA p.Gly271Asp (c.812G>A) is a missense variant that changes the amino acid at codon 271 from Glycine to Aspartic acid. This variant has been observed in at least one proband with clinical features consistent with Fabry disease (PMID:28736719;36709535;39980015;32813676;32198894). At least one functional study has demonstrated a substantial alteration in protein function relative to the wild-type (PMID:32023956;27657681). It is absent or not present at a significant frequency in gnomAD. In silico models predict that this variant is possibly or probably damaging. In conclusion, we classify GLA p.Gly271Asp (c.812G>A) as a likely pathogenic variant.

Literature cited by the submitters: PubMed 28736719; PubMed 36709535; PubMed 39980015; PubMed 32813676; PubMed 32198894; PubMed 32023956; PubMed 27657681.

NM_000169.3(GLA):c.812G>A (p.Gly271Asp)

Genes: GLA (galactosidase alpha; minus strand), RPL36A-HNRNPH2 (RPL36A-HNRNPH2 readthrough; plus strand). Cytogenetic location: Xq22.1.
Variant type: single nucleotide variant.
Coding change: c.812G>A on transcript NM_000169.3 (MANE Select); coding-DNA position 812, G replaced by A.
Protein change: p.Gly271Asp; replaces glycine 271 with aspartic acid.
Molecular consequence: missense variant. On other transcripts: non-coding transcript variant (3), intron variant (2).
Genome position (GRCh38, 1-based): chrX:101,398,557, C>T on the plus strand (G>A on the coding strand, the complement: GLA is on the minus strand). VCF-style: chrX-101398557-C-T. GRCh37 (hg19) VCF-style: chrX-100653545-C-T.
Other names: c.935G>A, p.Gly312Asp (NM_001406747.1); c.812G>A, p.Gly271Asp (NM_001406748.1); c.300+3100C>T (NM_001199973.2); c.177+6735C>T (NM_001199974.2); short protein forms G271D, G312D.
Identifiers: ClinVar variation 4087525 (VCV004087525.2).